The following is an entry in ClinVar:

NM_000020.3(ACVRL1):c.1120C>T (p.Arg374Trp)

Gene: ACVRL1 (activin A receptor like type 1; plus strand). Cytogenetic location: 12q13.13.
Variant type: single nucleotide variant.
Coding change: c.1120C>T on transcript NM_000020.3 (MANE Select); coding-DNA position 1120, C replaced by T.
Protein change: p.Arg374Trp; replaces arginine 374 with tryptophan.
Molecular consequence: missense variant.
Genome position (GRCh38, 1-based): chr12:51,916,107, C>T. VCF-style: chr12-51916107-C-T. GRCh37 (hg19) VCF-style: chr12-52309891-C-T.
Other names: c.1120C>T, p.Arg374Trp (NM_001077401.2); short protein forms R374W.
Identifiers: ClinVar variation 8249 (VCV000008249.34), dbSNP rs28936401, ClinGen allele CA119397.

ClinVar aggregate classification (germline): Pathogenic/Likely pathogenic. Review status: criteria provided, multiple submitters, no conflicts (2 of 4 stars). 16 submissions from 15 submitters: Pathogenic (12); Likely pathogenic (1). 3 of the submissions do not count toward it. Last evaluated 2025-12-19.

Conditions:
Cardiovascular phenotype. Identifiers: MedGen CN230736.
ACVRL1-related disorder. Also called: ACVRL1-related disorders; ACVRL1-related condition.
Pulmonary arterial hypertension related to hereditary hemorrhagic telangiectasia. Also called: PULMONARY ARTERIAL HYPERTENSION, HEREDITARY HEMORRHAGIC TELANGIECTASIA-RELATED. Identifiers: MedGen C1832529.
Telangiectasia, hereditary hemorrhagic, type 2 (HHT2). Also called: Telangiectasia, hereditary hemorrhagic, type II; ACVRL1-Related Hereditary Hemorrhagic Telangiectasia. Identifiers: Orphanet 774, MedGen C1838163, MONDO:0010880, OMIM 600376. Disease mechanism: loss of function.

Submissions 1 to 9 of 16:

Labcorp Genetics (formerly Invitae), Labcorp
Classification: Pathogenic for Telangiectasia, hereditary hemorrhagic, type 2. Last evaluated: 2025-12-19. Review status: criteria provided, single submitter. Criteria: Invitae Variant Classification Sherloc (09022015). Collection method: clinical testing. Allele origin: germline.
Comment: This sequence change replaces arginine, which is basic and polar, with tryptophan, which is neutral and slightly polar, at codon 374 of the ACVRL1 protein (p.Arg374Trp). This variant is not present in population databases (gnomAD no frequency). This missense change has been observed in individuals with hereditary hemorrhagic telangiectasia (HHT) (PMID: 9245985, 15065824, 15375013, 22991266, 23722869, 23805858). ClinVar contains an entry for this variant (Variation ID: 8249). Invitae Evidence Modeling of protein sequence and biophysical properties (such as structural, functional, and spatial information, amino acid conservation, physicochemical variation, residue mobility, and thermodynamic stability) indicates that this missense variant is expected to disrupt ACVRL1 protein function with a positive predictive value of 95%. Experimental studies have shown that this missense change affects ACVRL1 function (PMID: 15375013, 16282348, 20501893). This variant disrupts the p.Arg374 amino acid residue in ACVRL1. Other variant(s) that disrupt this residue have been determined to be pathogenic (PMID: 12700602, 18285823, 21158752, 25970827). This suggests that this residue is clinically significant, and that variants that disrupt this residue are likely to be disease-causing. For these reasons, this variant has been classified as Pathogenic.

GeneDx
Classification: Pathogenic. Last evaluated: 2025-04-07. Review status: criteria provided, single submitter. Criteria: GeneDx Variant Classification Process June 2021. Collection method: clinical testing. Allele origin: germline. Affected: yes.
Comment: Functional studies have demonstrated that the ALK1 protein harboring R374W is unresponsive to BMP9 and TGF-beta signaling and does not induce SMAD1/5 phosphorylation (PMID: 16282348, 20501893); Not observed at significant frequency in large population cohorts (gnomAD); In silico analysis supports that this missense variant has a deleterious effect on protein structure/function; This variant is associated with the following publications: (PMID: 34872578, 32300199, 22991266, 14684682, 17786384, 17384219, 16542389, 15517393, 9245985, 18285823, 25892364, 26387786, 15065824, 23722869, 15375013, 23805858, 29631995, 31400083, 30578383, 31727138, 32503579, 32573726, 20501893, 34958143, 34966542, 11170071, 16282348)

MVZ Medizinische Genetik Mainz
Classification: Pathogenic for Telangiectasia, hereditary hemorrhagic, type 2. Last evaluated: 2025-02-21. Review status: criteria provided, single submitter. Criteria: UK Practice Guidelines For Variant Classification V4 01 2020. Collection method: clinical testing. Allele origin: germline. Inheritance: Autosomal dominant inheritance. Affected: yes. Observed: 1 variant allele.
Comment: ACMG Criteria: PS4,PM5,PM2_SUP,PP3

Ambry Genetics
Classification: Pathogenic for Cardiovascular phenotype. Last evaluated: 2025-02-10. Review status: criteria provided, single submitter. Criteria: Ambry Variant Classification Scheme 2023. Collection method: clinical testing. Allele origin: germline.
Comment: The p.R374W pathogenic mutation (also known as c.1120C>T), located in coding exon 7 of the ACVRL1 gene, results from a C to T substitution at nucleotide position 1120. The arginine at codon 374 is replaced by tryptophan, an amino acid with dissimilar properties. This variant was reported in individual(s) with features consistent with hereditary hemorrhagic telangiectasia (HHT) (Berg JN et al. Am. J. Hum. Genet., 1997 Jul;61:60-7; Abdalla SA et al. Eur. J. Hum. Genet., 2003 Apr;11:279-87; Zhao Y et al. Mol Genet Genomic Med. 2019 09;7(9):e893; Shovlin CL et al. Blood. 2020 10;136(17):1907-1918). In an assay testing ACVRL1 function, this variant showed a functionally abnormal result (Fernandez-L A et al. Hum. Mutat., 2006 Mar;27:295; Gu Y et al. Blood, 2006 Mar;107:1951-4; Ricard N et al. Blood, 2010 Sep;116:1604-12). Other variant(s) at the same codon, p.R374Q (c.1121G>A), have been identified in individual(s) with features consistent with HHT (Abdalla SA et al. Eur J Hum Genet, 2003 Apr;11:279-87). This amino acid position is highly conserved in available vertebrate species. In addition, this alteration is predicted to be deleterious by in silico analysis. This variant is considered to be rare based on population cohorts in the Genome Aggregation Database (gnomAD). Based on the supporting evidence, this variant is interpreted as a disease-causing mutation.

3billion
Classification: Pathogenic for Telangiectasia, hereditary hemorrhagic, type 2. Last evaluated: 2024-01-30. Review status: criteria provided, single submitter. Criteria: ACMG Guidelines, 2015. Collection method: clinical testing. Allele origin: germline. Affected: yes.
Comment: The variant is not observed in the gnomAD v2.1.1 dataset. Predicted Consequence/Location: Missense variant In silico tool predictions suggest damaging effect of the variant on gene or gene product [REVEL: 0.70 (>=0.6, sensitivity 0.68 and specificity 0.92); 3Cnet: 0.98 (>=0.6, sensitivity 0.72 and precision 0.9)]. Same nucleotide change resulting in the same amino acid change (ClinVar ID: VCV000008249 / PMID: 9245985) and different missense changes at the same codon (p.Arg374Gln, p.Arg374Gly / ClinVar ID: VCV000411314, VCV000946842 /PMID: 12700602) have been previously reported as pathogenic/likely pathogenic with strong evidence. The variant has been observed in multiple (>3) similarly affected unrelated individuals (PMID: 22991266, 23722869, 23805858). Therefore, this variant is classified as Pathogenic according to the recommendation of ACMG/AMP guideline.

PreventionGenetics, part of Exact Sciences
Classification: Pathogenic for ACVRL1-related condition. Last evaluated: 2023-09-21. Review status: criteria provided, single submitter. Criteria: ACMG Guidelines, 2015. Collection method: clinical testing. Allele origin: germline.
Comment: The ACVRL1 c.1120C>T variant is predicted to result in the amino acid substitution p.Arg374Trp. This variant has been documented numerous times in individuals with hereditary hemorrhagic telangiectasia (HHT) (Kitayama et al. 2021. PubMed ID: 34872578; Table S1 in McDonald et al. 2020. PubMed ID: 32300199; Supplementary Table in Nishida et al. 2012. PubMed ID: 22991266). This variant has not been reported in a large population database, indicating this variant is rare. This variant has been interpreted as pathogenic and likely pathogenic in ClinVar. This variant is interpreted as pathogenic.

Blueprint Genetics
Classification: Pathogenic for ACVRL1-related disorders. Last evaluated: 2023-07-28. Review status: criteria provided, single submitter. Criteria: ACMG Guidelines, 2015. Collection method: clinical testing. Allele origin: germline. Affected: yes. Observed: 5 variant alleles.

Greenwood Genetic Center Diagnostic Laboratories, Greenwood Genetic Center
Classification: Pathogenic for Telangiectasia, hereditary hemorrhagic, type 2. Last evaluated: 2022-08-25. Review status: criteria provided, single submitter. Criteria: ACMG Guidelines, 2015. Collection method: clinical testing. Allele origin: germline. Affected: yes.
Comment: PS4 PS3 PM2 PM1

Clinical Genetics Laboratory, Skane University Hospital Lund
Classification: Pathogenic. Last evaluated: 2022-05-27. Review status: criteria provided, single submitter. Criteria: ACMG Guidelines, 2015. Collection method: clinical testing. Allele origin: germline. Affected: yes.